The following is an entry in ClinVar:

NM_001267550.2(TTN):c.58813G>A (p.Asp19605Asn)

Genes: TTN (titin; minus strand), TTN-AS1 (TTN antisense RNA 1; plus strand). Cytogenetic location: 2q31.2.
Variant type: single nucleotide variant.
Coding change: c.58813G>A on transcript NM_001267550.2 (MANE Select); coding-DNA position 58813, G replaced by A.
Protein change: p.Asp19605Asn; replaces aspartic acid 19605 with asparagine.
Molecular consequence: missense variant.
Genome position (GRCh38, 1-based): chr2:178,593,395, C>T on the plus strand (G>A on the coding strand, the complement: TTN is on the minus strand). VCF-style: chr2-178593395-C-T. GRCh37 (hg19) VCF-style: chr2-179458122-C-T.
Other names: c.53890G>A, p.Asp17964Asn (NM_001256850.1); c.31618G>A, p.Asp10540Asn (NM_003319.4); c.51109G>A, p.Asp17037Asn (NM_133378.4); c.31993G>A, p.Asp10665Asn (NM_133432.3); c.32194G>A, p.Asp10732Asn (NM_133437.4); short protein forms D10540N, D10665N, D10732N, D17037N, D17964N, D19605N.
Identifiers: ClinVar variation 2438189 (VCV002438189.25), dbSNP rs374833667, ClinGen allele CA1992771.
Genomic context (GRCh38, chr2:178,593,395, plus strand): 5'-ATCGTTTAGACATAGTTTCTCTCTTTTCCAGGATGTAGTTTGTGATGGGTTTTCCTCCAT[C>T]ATGTGGCTTATTCCAGGTTACTAATGCAGAGTCTTTGGTAACTTCTGTAACAATTGGCTG-3'
Protein context (NP_001254479.2, residues 19595-19615): SALVTWNKPH[Asp19605Asn]GGKPITNYIL

ClinVar aggregate classification (germline): Uncertain significance. Review status: criteria provided, multiple submitters, no conflicts (2 of 4 stars). 2 submissions from 2 submitters: Uncertain significance (2). Last evaluated 2024-02-01.

Allele frequency attached by ClinVar (database versions not stated): ExAC 0.00001; TOPMed 0.00001; gnomAD 0.00002; gnomAD exomes 0.00003; ESP Exome Variant Server 0.00008.
gnomAD v4.1: 44 of 1,613,244 alleles (0.0027%); highest among the groups gnomAD compares: Non-Finnish European, 0.0033%; no homozygotes.

Submissions (2):

CeGaT Center for Human Genetics Tuebingen
Classification: Uncertain significance. Last evaluated: 2024-02-01. Review status: criteria provided, single submitter. Criteria: CeGaT Center For Human Genetics Tuebingen Variant Classification Criteria Version 2. Collection method: clinical testing. Allele origin: germline. Affected: yes. Observed: 1 variant allele.
Comment: TTN: PM2

Revvity Omics, Revvity
Classification: Uncertain significance. Last evaluated: 2022-09-13. Review status: criteria provided, single submitter. Criteria: ACMG Guidelines, 2015. Collection method: clinical testing. Allele origin: germline.